The following is an entry in ClinVar:

NM_053056.3(CCND1):c.723G>A (p.Pro241=)

Gene: CCND1 (cyclin D1; plus strand). Cytogenetic location: 11q13.3.
Variant type: single nucleotide variant.
Coding change: c.723G>A on transcript NM_053056.3 (MANE Select); coding-DNA position 723, G replaced by A.
Protein change: p.Pro241=; no amino-acid change (proline 241 retained).
Molecular consequence: synonymous variant.
Genome position (GRCh38, 1-based): chr11:69,648,142, G>A. VCF-style: chr11-69648142-G-A. GRCh37 (hg19) VCF-style: chr11-69462910-G-A.
Other names: NC_000011.9:g.69462910G>A.
Identifiers: ClinVar variation 13755 (VCV000013755.8), dbSNP rs9344, ClinGen allele CA123434.
Genomic context (GRCh38, chr11:69,648,142, plus strand): 5'-CAACTTCCTGTCCTACTACCGCCTCACACGCTTCCTCTCCAGAGTGATCAAGTGTGACCC[G>A]GTAAGTGAGGGTGATGTCCCAGGCAGCCTTGCCGGGGCTTACAGGGGGAGACACCTAGTG-3'
Protein context (NP_444284.1, residues 231-251): RFLSRVIKCD[Pro241=]DCLRACQEQI

ClinVar aggregate classification (germline): Benign. Review status: criteria provided, multiple submitters, no conflicts (2 of 4 stars). 6 submissions from 4 submitters: Benign (2). 4 of the submissions do not count toward it. Last evaluated 2020-04-16.

Conditions:
CCND1-related disorder. Also called: CCND1-related condition.
VON HIPPEL-LINDAU SYNDROME, MODIFIER OF. Identifiers: MedGen C3805838.
MULTIPLE MYELOMA, t(11;14) TYPE, SUSCEPTIBILITY TO.
Colorectal cancer, susceptibility to. Identifiers: MedGen C1858438.

Allele frequency attached by ClinVar (database versions not stated): TOPMed 0.37992; gnomAD 0.38311 and 0.39178; ESP Exome Variant Server 0.38674; 1000 Genomes Project 30x 0.40475; 1000 Genomes Project 0.41354; gnomAD exomes 0.44915 and 0.45279; ExAC 0.45513.
gnomAD v4.1: 716,284 of 1,613,168 alleles (44%); highest among the groups gnomAD compares: East Asian, 53%; 162,210 homozygotes.

Submissions (12):

GeneDx
Classification: Benign. Last evaluated: 2020-04-16. Review status: criteria provided, single submitter. Criteria: GeneDx Variant Classification Process June 2021. Collection method: clinical testing. Allele origin: germline. Affected: yes.
Comment: This variant is associated with the following publications: (PMID: 26617896, 25997217, 16783567, 21268129, 11896626, 7675441, 10667569, 20680537, 22606291, 23502783, 21594903, 21161398, 24270739, 21107342, 17308274, 17960397, 11418364, 22304571, 20380574, 18843022, 22901215, 21273603)

Breakthrough Genomics
Classification: Benign. Review status: criteria provided, single submitter. Criteria: ACMG Guidelines, 2015. Collection method: not provided. Allele origin: germline. Inheritance: Autosomal dominant inheritance. Affected: yes.

PreventionGenetics, part of Exact Sciences
Classification: Benign for CCND1-related condition. Last evaluated: 2019-10-17. Review status: no assertion criteria provided. Collection method: clinical testing. Allele origin: germline. Not counted in ClinVar's aggregate classification.
Comment: This variant is classified as benign based on ACMG/AMP sequence variant interpretation guidelines (Richards et al. 2015 PMID: 25741868, with internal and published modifications).

OMIM
Classification: risk factor for COLORECTAL CANCER, SUSCEPTIBILITY TO. Last evaluated: 2013-05-01. Review status: no assertion criteria provided. Collection method: literature only. Allele origin: germline. Not counted in ClinVar's aggregate classification.

OMIM
Classification: risk factor for MULTIPLE MYELOMA, t(11;14) TYPE, SUSCEPTIBILITY TO. Last evaluated: 2013-05-01. Review status: no assertion criteria provided. Collection method: literature only. Allele origin: germline. Not counted in ClinVar's aggregate classification.

OMIM
Classification: risk factor for VON HIPPEL-LINDAU SYNDROME, MODIFIER OF. Last evaluated: 2013-05-01. Review status: no assertion criteria provided. Collection method: literature only. Allele origin: germline. Not counted in ClinVar's aggregate classification.

Dr. Peter K. Rogan Lab, Western University
No classification provided (evidence only). Condition: Familial cancer of breast. Review status: no classification provided. Collection method: in vitro. Allele origin: not applicable. Functional consequence: retained intron. Not counted in ClinVar's aggregate classification.

Dr. Peter K. Rogan Lab, Western University
No classification provided (evidence only). Condition: Familial cancer of breast. Review status: no classification provided. Collection method: in vitro. Allele origin: not applicable. Functional consequence: retained intron. Not counted in ClinVar's aggregate classification.

Dr. Peter K. Rogan Lab, Western University
No classification provided (evidence only). Condition: Familial cancer of breast. Review status: no classification provided. Collection method: in vitro. Allele origin: not applicable. Functional consequence: retained intron. Not counted in ClinVar's aggregate classification.

Dr. Peter K. Rogan Lab, Western University
No classification provided (evidence only). Condition: Familial cancer of breast. Review status: no classification provided. Collection method: in vitro. Allele origin: not applicable. Functional consequence: retained intron. Not counted in ClinVar's aggregate classification.

Dr. Peter K. Rogan Lab, Western University
No classification provided (evidence only). Condition: Familial cancer of breast. Review status: no classification provided. Collection method: in vitro. Allele origin: not applicable. Functional consequence: retained intron. Not counted in ClinVar's aggregate classification.

Dr. Peter K. Rogan Lab, Western University
No classification provided (evidence only). Condition: Familial cancer of breast. Review status: no classification provided. Collection method: in vitro. Allele origin: not applicable. Functional consequence: retained intron. Not counted in ClinVar's aggregate classification.

Literature cited by the submitters: PubMed 10667569 (cited by OMIM); PubMed 11459873 (cited by OMIM); PubMed 24870244 (cited by OMIM); PubMed 12097293 (cited by OMIM); PubMed 23502783 (cited by OMIM).